The following is an entry in ClinVar:

NM_003848.4(SUCLG2):c.295G>T (p.Gly99Cys)

Gene: SUCLG2 (succinate-CoA ligase GDP-forming subunit beta; minus strand). Cytogenetic location: 3p14.1.
Variant type: single nucleotide variant.
Coding change: c.295G>T on transcript NM_003848.4 (MANE Select); coding-DNA position 295, G replaced by T.
Protein change: p.Gly99Cys; replaces glycine 99 with cysteine.
Molecular consequence: missense variant.
Genome position (GRCh38, 1-based): chr3:67,529,118, C>A on the plus strand (G>T on the coding strand, the complement: SUCLG2 is on the minus strand). VCF-style: chr3-67529118-C-A. GRCh37 (hg19) VCF-style: chr3-67579542-C-A.
Other names: c.295G>T, p.Gly99Cys (NM_001177599.2); short protein forms G99C.
Identifiers: ClinVar variation 3637113 (VCV003637113.2).

ClinVar aggregate classification (germline): Uncertain significance (1 of 4 stars; one submission).

gnomAD v4.1: 417 of 1,612,912 alleles (0.026%); highest among the groups gnomAD compares: Non-Finnish European, 0.034%; no homozygotes.

Submission:

Labcorp Genetics (formerly Invitae), Labcorp
Classification: Uncertain significance. Last evaluated: 2025-04-07. Review status: criteria provided, single submitter. Criteria: Invitae Variant Classification Sherloc (09022015). Collection method: clinical testing. Allele origin: germline.
Comment: This sequence change replaces glycine, which is neutral and non-polar, with cysteine, which is neutral and slightly polar, at codon 99 of the SUCLG2 protein (p.Gly99Cys). This variant is present in population databases (rs200916187, gnomAD 0.03%). This missense change has been observed in individual(s) with SUCLG2-related conditions (PMID: 34415331). ClinVar contains an entry for this variant (Variation ID: 3637113). An algorithm developed to predict the effect of missense changes on protein structure and function (PolyPhen-2) suggests that this variant is likely to be disruptive. In summary, the available evidence is currently insufficient to determine the role of this variant in disease. Therefore, it has been classified as a Variant of Uncertain Significance.

Literature cited by the submitters: PubMed 34415331.